The following is an entry in ClinVar:

ClinVar aggregate classification (germline): Uncertain significance (1 of 4 stars; one submission).

Submission:

Labcorp Genetics (formerly Invitae), Labcorp
Classification: Uncertain significance. Last evaluated: 2024-05-06. Review status: criteria provided, single submitter. Criteria: Invitae Variant Classification Sherloc (09022015). Collection method: clinical testing. Allele origin: germline.
Comment: This sequence change replaces isoleucine, which is neutral and non-polar, with threonine, which is neutral and polar, at codon 100 of the RECQL protein (p.Ile100Thr). This variant is not present in population databases (gnomAD no frequency). This variant has not been reported in the literature in individuals affected with RECQL-related conditions. ClinVar contains an entry for this variant (Variation ID: 1021176). Advanced modeling of protein sequence and biophysical properties (such as structural, functional, and spatial information, amino acid conservation, physicochemical variation, residue mobility, and thermodynamic stability) performed at Invitae indicates that this missense variant is not expected to disrupt RECQL protein function with a negative predictive value of 80%. In summary, the available evidence is currently insufficient to determine the role of this variant in disease. Therefore, it has been classified as a Variant of Uncertain Significance.

NM_002907.4(RECQL):c.299T>C (p.Ile100Thr)

Gene: RECQL (RecQ like helicase; minus strand). Cytogenetic location: 12p12.1.
Variant type: single nucleotide variant.
Coding change: c.299T>C on transcript NM_002907.4 (MANE Select); coding-DNA position 299, T replaced by C.
Protein change: p.Ile100Thr; replaces isoleucine 100 with threonine.
Molecular consequence: missense variant.
Genome position (GRCh38, 1-based): chr12:21,490,294, A>G on the plus strand (T>C on the coding strand, the complement: RECQL is on the minus strand). VCF-style: chr12-21490294-A-G. GRCh37 (hg19) VCF-style: chr12-21643228-A-G.
Other names: c.299T>C, p.Ile100Thr (NM_032941.3); short protein forms I100T.
Identifiers: ClinVar variation 1021176 (VCV001021176.8), dbSNP rs780718535, ClinGen allele CA384132969.